The following is an entry in ClinVar:

NM_199420.4(POLQ):c.871C>T (p.Pro291Ser)

Gene: POLQ (DNA polymerase theta; minus strand). Cytogenetic location: 3q13.33.
Variant type: single nucleotide variant.
Coding change: c.871C>T on transcript NM_199420.4 (MANE Select); coding-DNA position 871, C replaced by T.
Protein change: p.Pro291Ser; replaces proline 291 with serine.
Molecular consequence: missense variant.
Genome position (GRCh38, 1-based): chr3:121,533,079, G>A on the plus strand (C>T on the coding strand, the complement: POLQ is on the minus strand). VCF-style: chr3-121533079-G-A. GRCh37 (hg19) VCF-style: chr3-121251926-G-A.
Other names: short protein forms P291S.
Identifiers: ClinVar variation 1764433 (VCV001764433.2), dbSNP rs1374199162, ClinGen allele CA354126216.

ClinVar aggregate classification (germline): Uncertain significance (1 of 4 stars; one submission).

Allele frequency attached by ClinVar (database versions not stated): gnomAD 0.00001; TOPMed 0.00001.

Submission:

Ambry Genetics
Classification: Uncertain significance. Last evaluated: 2021-12-18. Review status: criteria provided, single submitter. Criteria: Ambry Variant Classification Scheme 2023. Collection method: clinical testing. Allele origin: germline.
Comment: The p.P291S variant (also known as c.871C>T), located in coding exon 6 of the POLQ gene, results from a C to T substitution at nucleotide position 871. The proline at codon 291 is replaced by serine, an amino acid with similar properties. This amino acid position is conserved. In addition, the in silico prediction for this alteration is inconclusive. Since supporting evidence is limited at this time, the clinical significance of this alteration remains unclear.